The following is an entry in ClinVar:

ClinVar aggregate classification (germline): Uncertain significance. Review status: criteria provided, multiple submitters, no conflicts (2 of 4 stars). 4 submissions from 4 submitters: Uncertain significance (4). Last evaluated 2025-08-14.

Conditions:
Autosomal dominant hypophosphatemic rickets (ADHR). Also called: VITAMIN D-RESISTANT RICKETS, AUTOSOMAL DOMINANT; HYPOPHOSPHATEMIA, AUTOSOMAL DOMINANT. Identifiers: Orphanet 89937, MedGen C0342642, MONDO:0008660, OMIM 193100.
Tumoral calcinosis, hyperphosphatemic, familial, 2. Identifiers: MedGen C4693863, MONDO:0060714, OMIM 617993.
Inborn genetic diseases. Identifiers: MedGen C0950123, MeSH D030342.

Allele frequency attached by ClinVar (database versions not stated): gnomAD exomes 0.00002; ExAC 0.00003; gnomAD 0.00007; TOPMed 0.00009; 1000 Genomes Project 0.00060; 1000 Genomes Project 30x 0.00062.
gnomAD v4.1: 39 of 1,613,604 alleles (0.0024%); highest among the groups gnomAD compares: African/African-American, 0.051%; no homozygotes.

Submissions (4):

Ambry Genetics
Classification: Uncertain significance for Inborn genetic diseases. Last evaluated: 2025-08-14. Review status: criteria provided, single submitter. Criteria: Ambry Variant Classification Scheme 2023. Collection method: clinical testing. Allele origin: germline.

Labcorp Genetics (formerly Invitae), Labcorp
Classification: Uncertain significance. Last evaluated: 2024-12-03. Review status: criteria provided, single submitter. Criteria: Invitae Variant Classification Sherloc (09022015). Collection method: clinical testing. Allele origin: germline.
Comment: This sequence change replaces glutamic acid, which is acidic and polar, with glycine, which is neutral and non-polar, at codon 242 of the FGF23 protein (p.Glu242Gly). This variant is present in population databases (rs533960997, gnomAD 0.03%). This variant has not been reported in the literature in individuals affected with FGF23-related conditions. ClinVar contains an entry for this variant (Variation ID: 2080919). An algorithm developed to predict the effect of missense changes on protein structure and function outputs the following: PolyPhen-2: "Benign". The glycine amino acid residue is found in multiple mammalian species, which suggests that this missense change does not adversely affect protein function. In summary, the available evidence is currently insufficient to determine the role of this variant in disease. Therefore, it has been classified as a Variant of Uncertain Significance.

Fulgent Genetics
Classification: Uncertain significance for Autosomal dominant hypophosphatemic rickets; Tumoral calcinosis, hyperphosphatemic, familial, 2. Last evaluated: 2024-02-07. Review status: criteria provided, single submitter. Criteria: ACMG Guidelines, 2015. Collection method: clinical testing. Allele origin: germline.

Women's Health and Genetics/Laboratory Corporation of America, LabCorp
Classification: Uncertain significance. Last evaluated: 2023-01-13. Review status: criteria provided, single submitter. Criteria: LabCorp Variant Classification Summary - May 2015. Collection method: clinical testing. Allele origin: germline.
Comment: Variant summary: FGF23 c.725A>G (p.Glu242Gly) results in a non-conservative amino acid change in the encoded protein sequence. Four of five in-silico tools predict a benign effect of the variant on protein function. The variant allele was found at a frequency of 2.4e-05 in 250664 control chromosomes. The available data on variant occurrences in the general population are insufficient to allow any conclusion about variant significance. To our knowledge, no occurrence of c.725A>G in individuals affected with Autosomal Dominant Hypophosphatemic Rickets or Familial Tumoral Calcinosis and no experimental evidence demonstrating its impact on protein function have been reported. No clinical diagnostic laboratories have submitted clinical-significance assessments for this variant to ClinVar after 2014. Based on the evidence outlined above, the variant was classified as uncertain significance.

NM_020638.3(FGF23):c.725A>G (p.Glu242Gly)

Gene: FGF23 (fibroblast growth factor 23; minus strand). Cytogenetic location: 12p13.32.
Variant type: single nucleotide variant.
Coding change: c.725A>G on transcript NM_020638.3 (MANE Select); coding-DNA position 725, A replaced by G.
Protein change: p.Glu242Gly; replaces glutamic acid 242 with glycine.
Molecular consequence: missense variant.
Genome position (GRCh38, 1-based): chr12:4,370,374, T>C on the plus strand (A>G on the coding strand, the complement: FGF23 is on the minus strand). VCF-style: chr12-4370374-T-C. GRCh37 (hg19) VCF-style: chr12-4479540-T-C.
Other names: c.725A>G (NM_020638.2); short protein forms E242G.
Identifiers: ClinVar variation 2080919 (VCV002080919.9), dbSNP rs533960997, ClinGen allele CA6395609.